The following continues an entry in ClinVar:

NM_007294.4(BRCA1):c.2077G>A (p.Asp693Asn)

Gene: BRCA1. ClinVar aggregate classification (germline): Benign. Benign (1). ClinVar aggregate classification (somatic clinical impact): Tier IV - Benign/Likely benign.

Submissions 18 to 37 of 37:

Women's Health and Genetics/Laboratory Corporation of America, LabCorp
Classification: Benign for Hereditary breast ovarian cancer syndrome. Last evaluated: 2014-11-13. Review status: criteria provided, single submitter. Criteria: LabCorp Variant Classification Summary - May 2015. Collection method: clinical testing. Allele origin: germline. Not counted in ClinVar's aggregate classification.

Color Diagnostics, LLC DBA Color Health
Classification: Benign for Hereditary cancer-predisposing syndrome. Last evaluated: 2014-11-05. Review status: criteria provided, single submitter. Criteria: ACMG Guidelines, 2015. Collection method: clinical testing. Allele origin: germline. Not counted in ClinVar's aggregate classification.

Molecular Genetics Laboratory, University of Michigan
Classification: Benign for Breast-ovarian cancer, familial, susceptibility to, 1. Last evaluated: 2014-11-03. Review status: criteria provided, single submitter. Criteria: ACMG Guidelines, 2015. Collection method: clinical testing. Allele origin: germline. Affected: yes. Not counted in ClinVar's aggregate classification.

Ambry Genetics
Classification: Benign for Hereditary cancer-predisposing syndrome. Last evaluated: 2014-10-29. Review status: criteria provided, single submitter. Criteria: Ambry Variant Classification Scheme 2023. Collection method: clinical testing. Allele origin: germline. Not counted in ClinVar's aggregate classification.

Genome Diagnostics Laboratory, University Medical Center Utrecht
Classification: Benign for Breast-ovarian cancer, familial, susceptibility to, 1. Last evaluated: 2014-10-09. Review status: criteria provided, single submitter. Criteria: ACGS Guidelines, 2013. Collection method: clinical testing. Allele origin: germline. Affected: yes. Study: VKGL Data-share Consensus. Not counted in ClinVar's aggregate classification.

GeneDx
Classification: Benign for Familial cancer of breast. Last evaluated: 2013-09-03. Review status: criteria provided, single submitter. Criteria: GeneDx Variant Classification (06012015). Collection method: clinical testing. Allele origin: germline. Affected: yes. Not counted in ClinVar's aggregate classification.
Comment: The variant is found in BRCA1-BRCA2 panel(s).

Breakthrough Genomics
Classification: Benign. Review status: criteria provided, single submitter. Criteria: ACMG Guidelines, 2015. Collection method: not provided. Allele origin: germline. Inheritance: Autosomal recessive inheritance. Affected: yes. Not counted in ClinVar's aggregate classification.

PreventionGenetics, part of Exact Sciences
Classification: Benign. Review status: criteria provided, single submitter. Criteria: ACMG Guidelines, 2015. Collection method: clinical testing. Allele origin: germline. Not counted in ClinVar's aggregate classification.

True Health Diagnostics
Classification: Benign for Hereditary cancer-predisposing syndrome. Last evaluated: 2018-02-20. Review status: no assertion criteria provided. Collection method: clinical testing. Allele origin: germline. Not counted in ClinVar's aggregate classification.

Mayo Clinic Laboratories, Mayo Clinic
Classification: Benign. Last evaluated: 2016-12-27. Review status: no assertion criteria provided. Collection method: clinical testing. Allele origin: unknown. Not counted in ClinVar's aggregate classification.

Counsyl
Classification: Benign for Breast-ovarian cancer, familial 1. Last evaluated: 2014-01-02. Review status: no assertion criteria provided. Collection method: literature only. Allele origin: unknown. Inheritance: Autosomal dominant inheritance. Not counted in ClinVar's aggregate classification.
Comment: High frequency in a 1kG or ESP population: 7.0 %. This submission and the accompanying classification are no longer maintained by the submitter.

ITMI
No classification provided. Condition: AllHighlyPenetrant. Last evaluated: 2013-09-19. Review status: no classification provided. Collection method: reference population. Allele origin: germline. Not counted in ClinVar's aggregate classification.
Comment: Please see associated publication for description of ethnicities

Biesecker Lab/Clinical Genomics Section, National Institutes of Health
Classification: Benign. Last evaluated: 2012-07-13. Review status: no assertion criteria provided. Collection method: research. Allele origin: germline. Affected: no. Observed: 87 variant alleles. Study: ClinSeq. Not counted in ClinVar's aggregate classification.
ClinVar note: Converted during submission from no known pathogenicity to Benign.

Sharing Clinical Reports Project (SCRP)
Classification: Benign for Breast-ovarian cancer, familial 1. Last evaluated: 2011-03-17. Review status: no assertion criteria provided. Collection method: clinical testing. Allele origin: germline. Not counted in ClinVar's aggregate classification.

Breast Cancer Information Core (BIC) (BRCA1)
Classification: Benign for Breast-ovarian cancer, familial 1. Last evaluated: 2004-02-20. Review status: no assertion criteria provided. Collection method: clinical testing. Allele origin: germline, somatic. Affected: yes. Observed: 64 variant alleles. Not counted in ClinVar's aggregate classification.

Clinical Genetics Laboratory, Department of Pathology, Netherlands Cancer Institute
Classification: Benign. Review status: no assertion criteria provided. Collection method: clinical testing. Allele origin: germline. Affected: yes. Study: VKGL Data-share Consensus. Not counted in ClinVar's aggregate classification.

Department of Pathology and Laboratory Medicine, Sinai Health System
Classification: Benign. Review status: no assertion criteria provided. Collection method: clinical testing. Allele origin: unknown. Affected: yes. Study: The Canadian Open Genetics Repository (COGR). Not counted in ClinVar's aggregate classification.
Comment: The BRCA1 p.Asp693Asn variant was identified in the literature and was also identified in dbSNP (ID: rs4986850) â€šÃ„ÃºWith Benign ,untested alleleâ€šÃ„Ã¹, with a minor allele frequency of 0.034 (1000 Genomes Project), NHLBI Exome Sequencing Project (Exome Variant Server), HGMD, LOVD, the ClinVar database (classified as a benign variant by the Sharing Clinical Reports Project, derived from Myriad reports, by Invitae, BIC, Counsy, GeneDX, Ambry Genetics and Biesecker Laboratory ), GeneInsight through the Canadian Open Genetics Repository (1X, classified as â€šÃ„Ãºbenignâ€šÃ„Ã¹ by a clinical laboratory), the BIC database (64X with no clinical importance), and UMD (16X as a neutral variant). In UMD the variant was identified with a co-occurring pathogenic BRCA1 and BRCA2 variants (c.IVS22+5G>C (c.5406+5G>C); c.5503C>T (p.Arg1835X); c.3257T>G (p.Leu1086X) BRCA1 and c.6405_6409delCTTAA (p.Asn2135LysfsX3) BRCA2), increasing the likelihood that the p.Asp693Asn variant does not have clinical significance. This variant was also identified in the HAPMAP-CEU in 22 of 226 chromosomes (frequency: 0.097), HAPMAP-YRI in 2 of 226 chromosomes (frequency: 0.009), HAPMAP-MKK in 5 of 286 chromosomes (frequency: 0.017), Exome Variant Server project in 706 of 13004 European American and African American alleles, increasing the likelihood that this may be a low frequency benign variant in certain populations of origin.The p.Asp693 residue is not conserved in mammals and computational analyses (PolyPhen-2, SIFT, AlignGVGD, BLOSUM, MutationTaster) do not suggest a high likelihood of impact to the protein. However, this information is not predictive enough to rule out pathogenicity. Furthermore, six studies call the variant as polymorphism, neutral or of little clinical significance (Abkevich 2004, Bodian 2014, Feliubadalo 2013, Johnston 2012, Lindor 2012, Tavtigian 2006). In summary, based on the above information, this variant meets our laboratory's criteria to be classified as benign.

Diagnostic Laboratory, Department of Genetics, University Medical Center Groningen
Classification: Benign for Breast-ovarian cancer, familial, susceptibility to, 1. Review status: no assertion criteria provided. Collection method: clinical testing. Allele origin: germline. Affected: yes. Study: VKGL Data-share Consensus. Not counted in ClinVar's aggregate classification.

Faculté Pluridciplinaire Nador, Université Mohamed Premier
Classification: Tier IV - Benign/Likely benign for Familial cancer of breast. Review status: no assertion criteria provided. Collection method: research. Allele origin: somatic. Affected: yes.
Comment: The following databases and algorithms are used to annotate and evaluate the impact of the variant in the context of human disease: 1000 genomes, gnomAD, ClinVar, OMIM, dbSNP, NCIB RefSeq Genes, ExAC Gene Constraints, VS-SIFT, VS-PolyPhen2, PhyloP, GERP++, GeneSplicer, MaxEntScan, NNSplice, PWM Splice Predictor.

Joint Genome Diagnostic Labs from Nijmegen and Maastricht, Radboudumc and MUMC+
Classification: Benign. Review status: no assertion criteria provided. Collection method: clinical testing. Allele origin: germline. Affected: yes. Study: VKGL Data-share Consensus. Not counted in ClinVar's aggregate classification.

Literature cited by the submitters: PubMed 21990134 (cited by Evidence-based Network for the Interpretation of Germline Mutant Alleles (ENIGMA)); DOI 10.3389/fgene.2022.834265 (cited by National Health Laboratory Service, Universitas Academic Hospital and University of the Free State); PubMed 36329109 (cited by Genetics Program, Instituto Nacional de Cancer); PubMed 16014699 (cited by Women's Health and Genetics/Laboratory Corporation of America, LabCorp); PubMed 20104584 (cited by Women's Health and Genetics/Laboratory Corporation of America, LabCorp); PubMed 15235020 (cited by Women's Health and Genetics/Laboratory Corporation of America, LabCorp); PubMed 21702907 (cited by Women's Health and Genetics/Laboratory Corporation of America, LabCorp); PubMed 23249957 (cited by Women's Health and Genetics/Laboratory Corporation of America, LabCorp); PubMed 8776600 (cited by Women's Health and Genetics/Laboratory Corporation of America, LabCorp); PubMed 21203900 (cited by Women's Health and Genetics/Laboratory Corporation of America, LabCorp); PubMed 23674270 (cited by Women's Health and Genetics/Laboratory Corporation of America, LabCorp); PubMed 24728327 (cited by ITMI); Ladopolou-et-al.,-Cancer-Lett,-185:61,-2002 (cited by Breast Cancer Information Core (BIC) (BRCA1)).